The following is an entry in ClinVar:

NM_001458.5(FLNC):c.5805G>A (p.Lys1935=)

Genes: FLNC (filamin C; plus strand), FLNC-AS1 (FLNC antisense RNA 1; minus strand). Cytogenetic location: 7q32.1.
Variant type: single nucleotide variant.
Coding change: c.5805G>A on transcript NM_001458.5 (MANE Select); coding-DNA position 5805, G replaced by A.
Protein change: p.Lys1935=; no amino-acid change (lysine 1935 retained).
Molecular consequence: synonymous variant.
Genome position (GRCh38, 1-based): chr7:128,851,591, G>A. VCF-style: chr7-128851591-G-A. GRCh37 (hg19) VCF-style: chr7-128491645-G-A.
Other names: c.5706G>A, p.Lys1902= (NM_001127487.2).
Identifiers: ClinVar variation 435212 (VCV000435212.22), dbSNP rs759262897, ClinGen allele CA4475792.

ClinVar aggregate classification (germline): Likely benign. Review status: criteria provided, multiple submitters, no conflicts (2 of 4 stars). 6 submissions from 6 submitters: Likely benign (5). 1 of the submissions does not count toward it. Last evaluated 2026-09-21.

Conditions:
Distal myopathy with posterior leg and anterior hand involvement. Also called: WILLIAMS DISTAL MYOPATHY. Identifiers: Orphanet 63273, MedGen C3279722, MONDO:0013550, OMIM 614065.
Myofibrillar myopathy 5. Also called: Filaminopathy (type); FILAMINOPATHY, AUTOSOMAL DOMINANT. Identifiers: Orphanet 171445, MedGen C1836050, MONDO:0012289, OMIM 609524.
Hypertrophic cardiomyopathy 26. Also called: Cardiomyopathy, familial hypertrophic, 26. Identifiers: Orphanet 75249, MedGen C4310749, MONDO:0014883, OMIM 617047.
Cardiovascular phenotype. Identifiers: MedGen CN230736.
FLNC-related disorder. Also called: FLNC-related disorders; FLNC-related condition.

Allele frequency attached by ClinVar (database versions not stated): ExAC 0.00002; gnomAD 0.00001; gnomAD exomes 0.00002; TOPMed 0.00002.
gnomAD v4.1: 34 of 1,613,826 alleles (0.0021%); highest among the groups gnomAD compares: Non-Finnish European, 0.0029%; no homozygotes.

Submissions (6):

Molecular Diagnostic Laboratory for Inherited Cardiovascular Disease, Montreal Heart Institute
Classification: Likely benign. Last evaluated: 2026-09-21. Review status: criteria provided, single submitter. Criteria: ACMG Guidelines, 2015. Collection method: clinical testing. Allele origin: germline. Affected: no.

Labcorp Genetics (formerly Invitae), Labcorp
Classification: Likely benign for Distal myopathy with posterior leg and anterior hand involvement; Myofibrillar myopathy 5; Hypertrophic cardiomyopathy 26. Last evaluated: 2025-12-20. Review status: criteria provided, single submitter. Criteria: Invitae Variant Classification Sherloc (09022015). Collection method: clinical testing. Allele origin: germline.

Blueprint Genetics
Classification: Likely benign. Last evaluated: 2024-10-07. Review status: criteria provided, single submitter. Criteria: ACMG Guidelines, 2015. Collection method: clinical testing. Allele origin: germline.

Ambry Genetics
Classification: Likely benign for Cardiovascular phenotype. Last evaluated: 2019-05-17. Review status: criteria provided, single submitter. Criteria: Ambry Variant Classification Scheme 2023. Collection method: clinical testing. Allele origin: germline.

Genetic Services Laboratory, University of Chicago
Classification: Likely benign. Last evaluated: 2016-04-29. Review status: criteria provided, single submitter. Criteria: ACMG Guidelines, 2015. Collection method: clinical testing. Allele origin: germline. Affected: no.

PreventionGenetics, part of Exact Sciences
Classification: Likely benign for FLNC-related condition. Last evaluated: 2020-09-03. Review status: no assertion criteria provided. Collection method: clinical testing. Allele origin: germline. Not counted in ClinVar's aggregate classification.
Comment: This variant is classified as likely benign based on ACMG/AMP sequence variant interpretation guidelines (Richards et al. 2015 PMID: 25741868, with internal and published modifications).